The following is an entry in ClinVar:

NM_001220.5(CAMK2B):c.1654G>A (p.Gly552Ser)

Gene: CAMK2B (calcium/calmodulin dependent protein kinase II beta; minus strand). Cytogenetic location: 7p13.
Variant type: single nucleotide variant.
Coding change: c.1654G>A on transcript NM_001220.5 (MANE Select); coding-DNA position 1654, G replaced by A.
Protein change: p.Gly552Ser; replaces glycine 552 with serine.
Molecular consequence: missense variant.
Genome position (GRCh38, 1-based): chr7:44,220,845, C>T on the plus strand (G>A on the coding strand, the complement: CAMK2B is on the minus strand). VCF-style: chr7-44220845-C-T. GRCh37 (hg19) VCF-style: chr7-44260444-C-T.
Other names: c.1282G>A, p.Gly428Ser (NM_001293170.2, NM_172078.3); c.1210G>A, p.Gly404Ser (NM_172079.3, NM_172082.3); c.1207G>A, p.Gly403Ser (NM_172080.3); c.1165G>A, p.Gly389Ser (NM_172081.3); c.1093G>A, p.Gly365Ser (NM_172083.3); c.1003G>A, p.Gly335Ser (NM_172084.3); short protein forms G335S, G365S, G389S, G403S, G404S, G428S, G552S.
Identifiers: ClinVar variation 4810016 (VCV004810016.1).

ClinVar aggregate classification (germline): Uncertain significance (1 of 4 stars; one submission).

gnomAD v4.1: 3 of 1,571,048 alleles (0.00019%); highest among the groups gnomAD compares: Non-Finnish European, 0.00026%; no homozygotes.

Submission:

Labcorp Genetics (formerly Invitae), Labcorp
Classification: Uncertain significance. Last evaluated: 2025-07-22. Review status: criteria provided, single submitter. Criteria: Invitae Variant Classification Sherloc (09022015). Collection method: clinical testing. Allele origin: germline.
Comment: This sequence change replaces glycine, which is neutral and non-polar, with serine, which is neutral and polar, at codon 552 of the CAMK2B protein (p.Gly552Ser). The frequency data for this variant in the population databases is considered unreliable, as metrics indicate poor data quality at this position in the gnomAD database. This variant has not been reported in the literature in individuals affected with CAMK2B-related conditions. An algorithm developed to predict the effect of missense changes on protein structure and function (PolyPhen-2) suggests that this variant is likely to be disruptive. In summary, the available evidence is currently insufficient to determine the role of this variant in disease. Therefore, it has been classified as a Variant of Uncertain Significance.